The following is an entry in ClinVar:

NM_000264.5(PTCH1):c.3263C>T (p.Ala1088Val)

Gene: PTCH1 (patched 1; minus strand). Cytogenetic location: 9q22.32.
Variant type: single nucleotide variant.
Coding change: c.3263C>T on transcript NM_000264.5 (MANE Select); coding-DNA position 3263, C replaced by T.
Protein change: p.Ala1088Val; replaces alanine 1088 with valine.
Molecular consequence: missense variant. On other transcripts: non-coding transcript variant (1).
Genome position (GRCh38, 1-based): chr9:95,456,319, G>A on the plus strand (C>T on the coding strand, the complement: PTCH1 is on the minus strand). VCF-style: chr9-95456319-G-A. GRCh37 (hg19) VCF-style: chr9-98218601-G-A.
Other names: c.3065C>T, p.Ala1022Val (NM_001083602.3); c.3260C>T, p.Ala1087Val (NM_001083603.3); c.2810C>T, p.Ala937Val (NM_001083604.3, NM_001083605.3, NM_001083606.3 and 1 more transcripts); c.3107C>T, p.Ala1036Val (NM_001354918.2); short protein forms A1022V, A937V, A1087V, A1036V, A1088V.
Identifiers: ClinVar variation 943133 (VCV000943133.14), dbSNP rs1838920838, ClinGen allele CA374112038.

ClinVar aggregate classification (germline): Uncertain significance. Review status: criteria provided, multiple submitters, no conflicts (2 of 4 stars). 3 submissions from 3 submitters: Uncertain significance (3). Last evaluated 2025-08-24.

Conditions:
Hereditary cancer-predisposing syndrome. Also called: Neoplastic Syndromes, Hereditary; Hereditary neoplastic syndrome; Hereditary Cancer Syndrome; Tumor predisposition. Identifiers: Orphanet 140162, MedGen C0027672, MeSH D009386, MONDO:0015356.
Gorlin syndrome. Also called: Nevoid Basal Cell Carcinoma Syndrome; Basal cell nevus syndrome. Identifiers: Orphanet 377, MedGen C0004779, MONDO:0007187.

Allele frequency attached by ClinVar (database versions not stated): gnomAD exomes below 0.00001.
gnomAD v4.1: 2 of 1,614,048 alleles (0.00012%); highest among the groups gnomAD compares: South Asian, 0.0011%; no homozygotes.

Submissions (3):

Ambry Genetics
Classification: Uncertain significance for Hereditary cancer-predisposing syndrome. Last evaluated: 2025-08-24. Review status: criteria provided, single submitter. Criteria: Ambry Variant Classification Scheme 2023. Collection method: clinical testing. Allele origin: germline.
Comment: The p.A1088V variant (also known as c.3263C>T), located in coding exon 19 of the PTCH1 gene, results from a C to T substitution at nucleotide position 3263. The alanine at codon 1088 is replaced by valine, an amino acid with similar properties. This amino acid position is highly conserved in available vertebrate species. In addition, this alteration is predicted to be deleterious by in silico analysis. Since supporting evidence is limited at this time, the clinical significance of this alteration remains unclear.

Labcorp Genetics (formerly Invitae), Labcorp
Classification: Uncertain significance for Gorlin syndrome. Last evaluated: 2025-07-31. Review status: criteria provided, single submitter. Criteria: Invitae Variant Classification Sherloc (09022015). Collection method: clinical testing. Allele origin: germline.
Comment: This sequence change replaces alanine, which is neutral and non-polar, with valine, which is neutral and non-polar, at codon 1088 of the PTCH1 protein (p.Ala1088Val). This variant is not present in population databases (gnomAD no frequency). This variant has not been reported in the literature in individuals affected with PTCH1-related conditions. ClinVar contains an entry for this variant (Variation ID: 943133). Invitae Evidence Modeling of protein sequence and biophysical properties (such as structural, functional, and spatial information, amino acid conservation, physicochemical variation, residue mobility, and thermodynamic stability) indicates that this missense variant is not expected to disrupt PTCH1 protein function with a negative predictive value of 95%. In summary, the available evidence is currently insufficient to determine the role of this variant in disease. Therefore, it has been classified as a Variant of Uncertain Significance.

GeneDx
Classification: Uncertain significance. Last evaluated: 2023-06-21. Review status: criteria provided, single submitter. Criteria: GeneDx Variant Classification Process June 2021. Collection method: clinical testing. Allele origin: germline. Affected: yes.
Comment: Not observed at significant frequency in large population cohorts (gnomAD); In silico analysis supports that this missense variant does not alter protein structure/function; Has not been previously published as pathogenic or benign to our knowledge